The following is an entry in ClinVar:

ClinVar aggregate classification (germline): Conflicting classifications of pathogenicity. Review status: criteria provided, conflicting classifications (1 of 4 stars). 3 submissions from 3 submitters: Uncertain significance (2); Likely benign (1). Last evaluated 2023-03-23.

Conditions:
Hereditary cancer-predisposing syndrome. Also called: Hereditary neoplastic syndrome; Tumor predisposition; Neoplastic Syndromes, Hereditary; Hereditary Cancer Syndrome. Identifiers: Orphanet 140162, MedGen C0027672, MeSH D009386, MONDO:0015356.
Hereditary breast ovarian cancer syndrome. Also called: Hereditary breast and ovarian cancer; Hereditary breast and/or ovarian cancer syndrome; Breast and ovarian cancer; BRCA1- and BRCA2-Associated Hereditary Breast and Ovarian Cancer; Hereditary breast and ovarian cancer syndrome; Hereditary breast and ovarian cancer syndrome (HBOC). Identifiers: Orphanet 145, MedGen C0677776, MeSH D061325, MONDO:0003582. Disease mechanism: loss of function.

Submissions (3):

University of Washington Department of Laboratory Medicine, University of Washington
Classification: Likely benign for Hereditary cancer-predisposing syndrome. Last evaluated: 2023-03-23. Review status: criteria provided, single submitter. Criteria: Dines et al. (Genet Med. 2020). Collection method: curation. Allele origin: germline.
Comment: Missense variant in a coldspot region where missense variants are very unlikely to be pathogenic (PMID:31911673).

BRCA2 exon 11 coldspot. Reclassification based on statistical prior probability.

Ambry Genetics
Classification: Uncertain significance for Hereditary cancer-predisposing syndrome. Last evaluated: 2022-02-02. Review status: criteria provided, single submitter. Criteria: Ambry Variant Classification Scheme 2023. Collection method: clinical testing. Allele origin: germline.
Comment: The p.S1985Y variant (also known as c.5954C>A), located in coding exon 10 of the BRCA2 gene, results from a C to A substitution at nucleotide position 5954. The serine at codon 1985 is replaced by tyrosine, an amino acid with dissimilar properties. This amino acid position is not well conserved in available vertebrate species. In addition, the in silico prediction for this alteration is inconclusive. Since supporting evidence is limited at this time, the clinical significance of this alteration remains unclear.

Labcorp Genetics (formerly Invitae), Labcorp
Classification: Uncertain significance for Hereditary breast ovarian cancer syndrome. Last evaluated: 2020-11-11. Review status: criteria provided, single submitter. Criteria: Invitae Variant Classification Sherloc (09022015). Collection method: clinical testing. Allele origin: germline.
Comment: In summary, the available evidence is currently insufficient to determine the role of this variant in disease. Therefore, it has been classified as a Variant of Uncertain Significance. Advanced modeling of protein sequence and biophysical properties (such as structural, functional, and spatial information, amino acid conservation, physicochemical variation, residue mobility, and thermodynamic stability) performed at Invitae indicates that this missense variant is not expected to disrupt BRCA2 protein function. This sequence change replaces serine with tyrosine at codon 1985 of the BRCA2 protein (p.Ser1985Tyr). The serine residue is weakly conserved and there is a large physicochemical difference between serine and tyrosine. This variant is not present in population databases (ExAC no frequency). This variant has not been reported in the literature in individuals with BRCA2-related conditions.

NM_000059.4(BRCA2):c.5954C>A (p.Ser1985Tyr)

Gene: BRCA2 (BRCA2 DNA repair associated; plus strand). Cytogenetic location: 13q13.1.
Variant type: single nucleotide variant.
Coding change: c.5954C>A on transcript NM_000059.4 (MANE Select); coding-DNA position 5954, C replaced by A.
Protein change: p.Ser1985Tyr; replaces serine 1985 with tyrosine.
Molecular consequence: missense variant.
Genome position (GRCh38, 1-based): chr13:32,340,309, C>A. VCF-style: chr13-32340309-C-A. GRCh37 (hg19) VCF-style: chr13-32914446-C-A.
Other names: short protein forms S1985Y.
Identifiers: ClinVar variation 1346282 (VCV001346282.11), dbSNP rs1272409475, ClinGen allele CA387787596.